The following is an entry in ClinVar:

NM_007373.4(SHOC2):c.1595G>C (p.Ser532Thr)

Gene: SHOC2 (SHOC2 leucine rich repeat scaffold protein; plus strand). Cytogenetic location: 10q25.2.
Variant type: single nucleotide variant.
Coding change: c.1595G>C on transcript NM_007373.4 (MANE Select); coding-DNA position 1595, G replaced by C.
Protein change: p.Ser532Thr; replaces serine 532 with threonine.
Molecular consequence: missense variant. On other transcripts: non-coding transcript variant (1).
Genome position (GRCh38, 1-based): chr10:111,011,664, G>C. VCF-style: chr10-111011664-G-C. GRCh37 (hg19) VCF-style: chr10-112771422-G-C.
Other names: c.1457G>C, p.Ser486Thr (NM_001269039.3); c.1595G>C, p.Ser532Thr (NM_001324336.2, NM_001324337.2); short protein forms S532T, S486T.
Identifiers: ClinVar variation 477725 (VCV000477725.9), dbSNP rs370798940, ClinGen allele CA5689821.

ClinVar aggregate classification (germline): Uncertain significance. Review status: criteria provided, multiple submitters, no conflicts (2 of 4 stars). 2 submissions from 2 submitters: Uncertain significance (2). Last evaluated 2025-08-28.

Conditions:
Cardiovascular phenotype. Identifiers: MedGen CN230736.
RASopathy. Also called: rasopathies; Noonan spectrum disorder. Identifiers: Orphanet 536391, MedGen C5555857, MONDO:0021060.

Allele frequency attached by ClinVar (database versions not stated): gnomAD 0.00001; ESP Exome Variant Server 0.00008; TOPMed below 0.00001; ExAC 0.00001; gnomAD exomes below 0.00001 and 0.00001.
gnomAD v4.1: 3 of 1,613,730 alleles (0.00019%); highest among the groups gnomAD compares: African/African-American, 0.004%; no homozygotes.

Submissions (2):

Ambry Genetics
Classification: Uncertain significance for Cardiovascular phenotype. Last evaluated: 2025-08-28. Review status: criteria provided, single submitter. Criteria: Ambry Variant Classification Scheme 2023. Collection method: clinical testing. Allele origin: germline.
Comment: The p.S532T variant (also known as c.1595G>C), located in coding exon 8 of the SHOC2 gene, results from a G to C substitution at nucleotide position 1595. The serine at codon 532 is replaced by threonine, an amino acid with similar properties. This amino acid position is conserved. In addition, this alteration is predicted to be tolerated by in silico analysis. Based on the available evidence, the clinical significance of this variant remains unclear.

Labcorp Genetics (formerly Invitae), Labcorp
Classification: Uncertain significance for RASopathy. Last evaluated: 2022-11-19. Review status: criteria provided, single submitter. Criteria: Invitae Variant Classification Sherloc (09022015). Collection method: clinical testing. Allele origin: germline.
Comment: In summary, the available evidence is currently insufficient to determine the role of this variant in disease. Therefore, it has been classified as a Variant of Uncertain Significance. Advanced modeling of protein sequence and biophysical properties (such as structural, functional, and spatial information, amino acid conservation, physicochemical variation, residue mobility, and thermodynamic stability) performed at Invitae indicates that this missense variant is not expected to disrupt SHOC2 protein function. ClinVar contains an entry for this variant (Variation ID: 477725). This variant has not been reported in the literature in individuals affected with SHOC2-related conditions. This variant is present in population databases (rs370798940, gnomAD 0.02%). This sequence change replaces serine, which is neutral and polar, with threonine, which is neutral and polar, at codon 532 of the SHOC2 protein (p.Ser532Thr).